The following is an entry in ClinVar:

NM_003482.4(KMT2D):c.16522-1G>A

Gene: KMT2D (lysine methyltransferase 2D; minus strand). Cytogenetic location: 12q13.12.
Variant type: single nucleotide variant.
Coding change: c.16522-1G>A on transcript NM_003482.4 (MANE Select); the canonical splice acceptor site of the intron before coding-DNA position 16522, G replaced by A.
Molecular consequence: splice acceptor variant.
Genome position (GRCh38, 1-based): chr12:49,021,873, C>T on the plus strand (G>A on the coding strand, the complement: KMT2D is on the minus strand). VCF-style: chr12-49021873-C-T. GRCh37 (hg19) VCF-style: chr12-49415656-C-T.
Identifiers: ClinVar variation 379611 (VCV000379611.2), dbSNP rs1057520667, ClinGen allele CA16606629.
Genomic context (GRCh38, chr12:49,021,873, plus strand): 5'-ACAGTGGCAGGGGATCTTGTGCTGATCGTCCTCAAAATCAAACTGATAGTCATAGGTTAG[C>T]TGAAAAGAGAAGAGGGCAGAATCAATGCTAGTCCCCCACAGGAAGAGGGGAGGCCAGAGA-3'

ClinVar aggregate classification (germline): Pathogenic (1 of 4 stars; one submission).

Submission:

GeneDx
Classification: Pathogenic. Last evaluated: 2015-05-01. Review status: criteria provided, single submitter. Criteria: GeneDx Variant Classification (06012015). Collection method: clinical testing. Allele origin: germline. Affected: yes.
Comment: The c.16522-1G>A variant in the KMT2D gene has not been reported previously as a pathogenic variant noras a benign polymorphism, to our knowledge. However, this splice site variant destroys thecanonical splice acceptor site in intron 53 . It is predicted to cause abnormal gene splicing, either leading toan abnormal message that is subject to nonsense-mediated mRNA decay, or to an abnormal proteinproduct if the message is used for protein translation. The c.16522-1G>A variant was not observed inapproximately 6100 individuals of European and African American ancestry in the NHLBI ExomeSequencing Project, indicating it is not a common benign variant in these populations. While this specificsplice site variant has not been reported, other splice site variants in the KMT2D gene associated withKabuki syndrome have been noted in HGMD (Stenson et al., 2014). Thus, we interpret c.16522-1G>A in KMT2D as a pathogenic variant.